The following is an entry in ClinVar:

ClinVar aggregate classification (germline): Uncertain significance. Review status: criteria provided, multiple submitters, no conflicts (2 of 4 stars). 4 submissions from 4 submitters: Uncertain significance (4). Last evaluated 2026-04-07.

Conditions:
Inborn genetic diseases. Identifiers: MedGen C0950123, MeSH D030342.
Ullrich congenital muscular dystrophy 2 (UCMD2). Identifiers: Orphanet 75840, MedGen C4225314, MONDO:0014654, OMIM 616470.
Bethlem myopathy 2 (BTHLM2). Identifiers: Orphanet 536516, Orphanet 610, MedGen C4225313, MONDO:0034022, OMIM 616471.

gnomAD v4.1: 15 of 1,613,504 alleles (0.00093%); highest among the groups gnomAD compares: Non-Finnish European, 0.0013%; no homozygotes.

Submissions (4):

GeneDx
Classification: Uncertain significance. Last evaluated: 2026-04-07. Review status: criteria provided, single submitter. Criteria: GeneDx Variant Classification Process June 2021. Collection method: clinical testing. Allele origin: germline.
Comment: Not observed at significant frequency in large population cohorts (gnomAD); In silico analysis supports that this missense variant has a deleterious effect on protein structure/function; Has not been previously published as pathogenic or benign to our knowledge

Labcorp Genetics (formerly Invitae), Labcorp
Classification: Uncertain significance for Bethlem myopathy 2; Ullrich congenital muscular dystrophy 2. Last evaluated: 2025-02-06. Review status: criteria provided, single submitter. Criteria: Invitae Variant Classification Sherloc (09022015). Collection method: clinical testing. Allele origin: germline.
Comment: This sequence change replaces proline, which is neutral and non-polar, with alanine, which is neutral and non-polar, at codon 1111 of the COL12A1 protein (p.Pro1111Ala). This variant is not present in population databases (gnomAD no frequency). This variant has not been reported in the literature in individuals affected with COL12A1-related conditions. ClinVar contains an entry for this variant (Variation ID: 945430). Invitae Evidence Modeling of protein sequence and biophysical properties (such as structural, functional, and spatial information, amino acid conservation, physicochemical variation, residue mobility, and thermodynamic stability) has been performed for this missense variant. However, the output from this modeling did not meet the statistical confidence thresholds required to predict the impact of this variant on COL12A1 protein function. In summary, the available evidence is currently insufficient to determine the role of this variant in disease. Therefore, it has been classified as a Variant of Uncertain Significance.

Revvity Omics, Revvity
Classification: Uncertain significance. Last evaluated: 2023-11-01. Review status: criteria provided, single submitter. Criteria: ACMG Guidelines, 2015. Collection method: clinical testing. Allele origin: germline.

Ambry Genetics
Classification: Uncertain significance for Inborn genetic diseases. Last evaluated: 2023-05-09. Review status: criteria provided, single submitter. Criteria: Ambry Variant Classification Scheme 2023. Collection method: clinical testing. Allele origin: germline.

NM_004370.6(COL12A1):c.3331C>G (p.Pro1111Ala)

Gene: COL12A1 (collagen type XII alpha 1 chain; minus strand). Cytogenetic location: 6q13.
Variant type: single nucleotide variant.
Coding change: c.3331C>G on transcript NM_004370.6 (MANE Select); coding-DNA position 3331, C replaced by G.
Protein change: p.Pro1111Ala; replaces proline 1111 with alanine.
Molecular consequence: missense variant. On other transcripts: intron variant (1).
Genome position (GRCh38, 1-based): chr6:75,155,774, G>C on the plus strand (C>G on the coding strand, the complement: COL12A1 is on the minus strand). VCF-style: chr6-75155774-G-C. GRCh37 (hg19) VCF-style: chr6-75865490-G-C.
Other names: c.74-3292C>G (NM_080645.3); short protein forms P1111A.
Identifiers: ClinVar variation 945430 (VCV000945430.13), dbSNP rs1272550670, ClinGen allele CA364752674.